The following is an entry in ClinVar:

NM_000350.3(ABCA4):c.4254-17T>A

Gene: ABCA4 (ATP binding cassette subfamily A member 4; minus strand). Cytogenetic location: 1p22.1.
Variant type: single nucleotide variant.
Coding change: c.4254-17T>A on transcript NM_000350.3 (MANE Select); 17 bases into the intron before coding-DNA position 4254, T replaced by A.
Molecular consequence: intron variant.
Genome position (GRCh38, 1-based): chr1:94,030,543, A>T on the plus strand (T>A on the coding strand, the complement: ABCA4 is on the minus strand). VCF-style: chr1-94030543-A-T. GRCh37 (hg19) VCF-style: chr1-94496099-A-T.
Other names: c.4032-17T>A (NM_001425324.1).
Identifiers: ClinVar variation 3338127 (VCV003338127.1).
Genomic context (GRCh38, chr1:94,030,543, plus strand): 5'-CGTCTGCAAGTACCGTGAACTGCTCACTGCCTGGTTCATCCATGCTAGACAGAGTGAGAC[A>T]TGTGACTGGGACAGAGCAGGCGCGTGCCAACATCATGCAACTCAGAGCCTTTACTGGATA-3'

ClinVar aggregate classification (germline): Likely pathogenic (0 of 4 stars; one submission).

Conditions:
Visual impairment. Also called: Impaired vision; vision problems. Identifiers: MedGen C3665347, HP:0000505.

gnomAD v4.1: 1 of 1,612,162 alleles (0.000062%); highest among the groups gnomAD compares: Non-Finnish European, 0.000085%; no homozygotes.

Submission:

Joint Genome Diagnostic Labs from Nijmegen and Maastricht, Radboudumc and MUMC+
Classification: Likely pathogenic for visual impairment. Review status: no assertion criteria provided. Collection method: clinical testing. Allele origin: germline. Affected: yes.
Comment: Skipping of exon 29 confirmed with minigene assay, found in trans with pathogenic monoallelic variant